The following is an entry in ClinVar:

NM_001164508.2(NEB):c.18294T>C (p.Tyr6098=)

Gene: NEB (nebulin; minus strand). Cytogenetic location: 2q23.3.
Variant type: single nucleotide variant.
Coding change: c.18294T>C on transcript NM_001164508.2 (MANE Select); coding-DNA position 18294, T replaced by C.
Protein change: p.Tyr6098=; no amino-acid change (tyrosine 6098 retained).
Molecular consequence: synonymous variant.
Genome position (GRCh38, 1-based): chr2:151,565,573, A>G on the plus strand (T>C on the coding strand, the complement: NEB is on the minus strand). VCF-style: chr2-151565573-A-G. GRCh37 (hg19) VCF-style: chr2-152422087-A-G.
Other names: p.Tyr6098=; c.18294T>C, p.Tyr6098= (NM_001164507.2, NM_001271208.2); c.13191T>C, p.Tyr4397= (NM_004543.5).
Identifiers: ClinVar variation 95108 (VCV000095108.33), dbSNP rs2288211, ClinGen allele CA148191.

ClinVar aggregate classification (germline): Benign/Likely benign. Review status: criteria provided, multiple submitters, no conflicts (2 of 4 stars). 14 submissions from 13 submitters: Benign (11); Likely benign (1). 2 of the submissions do not count toward it. Last evaluated 2026-02-04.

Conditions:
Arthrogryposis multiplex congenita 6. Identifiers: MedGen C5543431, MONDO:0030281, OMIM 619334.
Nemaline myopathy 2 (NEM2). Also called: Nemaline myopathy 2, autosomal recessive. Identifiers: MedGen C1850569, MONDO:0009725, OMIM 256030.

Allele frequency attached by ClinVar (database versions not stated): 1000 Genomes Project 30x 0.22080; 1000 Genomes Project 0.22384; ESP Exome Variant Server 0.22700; gnomAD 0.24726 and 0.24874; TOPMed 0.25172; gnomAD exomes 0.28720 and 0.29173; ExAC 0.29548.
gnomAD v4.1: 457,164 of 1,590,154 alleles (29%); highest among the groups gnomAD compares: Admixed American, 40%; 69,655 homozygotes.

Submissions (14):

Labcorp Genetics (formerly Invitae), Labcorp
Classification: Benign for Nemaline myopathy 2. Last evaluated: 2026-02-04. Review status: criteria provided, single submitter. Criteria: Invitae Variant Classification Sherloc (09022015). Collection method: clinical testing. Allele origin: germline.

Blueprint Genetics
Classification: Likely benign. Last evaluated: 2024-11-26. Review status: criteria provided, single submitter. Criteria: ACMG Guidelines, 2015. Collection method: clinical testing. Allele origin: germline.

Genome-Nilou Lab
Classification: Benign for Arthrogryposis multiplex congenita 6. Last evaluated: 2021-07-10. Review status: criteria provided, single submitter. Criteria: ACMG Guidelines, 2015. Collection method: clinical testing. Allele origin: germline. Affected: no.

Genome-Nilou Lab
Classification: Benign for Nemaline myopathy 2. Last evaluated: 2021-07-10. Review status: criteria provided, single submitter. Criteria: ACMG Guidelines, 2015. Collection method: clinical testing. Allele origin: germline. Affected: no.

Illumina Laboratory Services, Illumina
Classification: Benign for Nemaline myopathy 2. Last evaluated: 2018-01-13. Review status: criteria provided, single submitter. Criteria: ICSL Variant Classification Criteria 13 December 2019. Collection method: clinical testing. Allele origin: germline.
Comment: This variant was observed in the ICSL laboratory as part of a predisposition screen in an ostensibly healthy population. It had not been previously curated by ICSL or reported in the Human Gene Mutation Database (HGMD: prior to June 1st, 2018), and was therefore a candidate for classification through an automated scoring system. Utilizing variant allele frequency, disease prevalence and penetrance estimates, and inheritance mode, an automated score was calculated to assess if this variant is too frequent to cause the disease. Based on the score and internal cut-off values, a variant classified as benign is not then subjected to further curation. The score for this variant resulted in a classification of benign for this disease.

Mayo Clinic Laboratories, Mayo Clinic
Classification: Benign. Last evaluated: 2017-07-21. Review status: criteria provided, single submitter. Criteria: ACMG Guidelines, 2015. Collection method: clinical testing. Allele origin: germline. Observed: 324 variant alleles.

Women's Health and Genetics/Laboratory Corporation of America, LabCorp
Classification: Benign. Last evaluated: 2017-02-27. Review status: criteria provided, single submitter. Criteria: LabCorp Variant Classification Summary - May 2015. Collection method: clinical testing. Allele origin: germline.
Comment: Variant summary: The NEB c.18294T>C (p.Tyr6098Tyr) variant involves the alteration of a non-conserved nucleotide, resulting in a synonymous change. One in silico tool predicts a polymorphism outcome for this variant. 5/5 splice prediction tools predict no significant impact on normal splicing. However, these predictions have yet to be confirmed by functional studies. This variant was found in 30819/104302 control chromosomes (4493 homozygotes) at a frequency of 0.2954785, which is approximately 84 times the estimated maximal expected allele frequency of a pathogenic NEB variant (0.0035355), evidence that this variant is a benign polymorphism. In addition, multiple clinical diagnostic laboratories/reputable databases classified this variant as benign. Taken together, this variant is classified as benign.

GeneDx
Classification: Benign. Last evaluated: 2016-01-25. Review status: criteria provided, single submitter. Criteria: GeneDx Variant Classification (06012015). Collection method: clinical testing. Allele origin: germline. Affected: yes.
Comment: This variant is considered likely benign or benign based on one or more of the following criteria: it is a conservative change, it occurs at a poorly conserved position in the protein, it is predicted to be benign by multiple in silico algorithms, and/or has population frequency not consistent with disease.

Laboratory for Molecular Medicine, Mass General Brigham Personalized Medicine
Classification: Benign. Last evaluated: 2014-11-26. Review status: criteria provided, single submitter. Criteria: LMM Criteria. Collection method: clinical testing. Allele origin: germline. Observed: 5 variant alleles.
Comment: p.Tyr6098Tyr in exon 116 of NEB: This variant is not expected to have clinical s ignificance because it has been identified in 29% (2380/8182) of European Americ an chromosomes by the NHLBI Exome Sequencing Project (du/EVS/; dbSNP rs2288211).

Eurofins Ntd Llc (ga)
Classification: Benign. Last evaluated: 2013-11-14. Review status: criteria provided, single submitter. Criteria: EGL Classification Definitions 2015. Collection method: clinical testing. Allele origin: germline. Observed: 1 variant allele, 1 heterozygote.

Breakthrough Genomics
Classification: Benign. Review status: criteria provided, single submitter. Criteria: ACMG Guidelines, 2015. Collection method: not provided. Allele origin: germline. Inheritance: Autosomal recessive inheritance. Affected: yes.

PreventionGenetics, part of Exact Sciences
Classification: Benign. Review status: criteria provided, single submitter. Criteria: ACMG Guidelines, 2015. Collection method: clinical testing. Allele origin: germline.

Natera, Inc.
Classification: Benign for Nemaline myopathy type 2. Last evaluated: 2020-09-16. Review status: no assertion criteria provided. Collection method: clinical testing. Allele origin: germline. Not counted in ClinVar's aggregate classification.

Genetic Services Laboratory, University of Chicago
Classification: Likely benign for AllHighlyPenetrant. Review status: no assertion criteria provided. Collection method: clinical testing. Allele origin: germline. Inheritance: Autosomal recessive inheritance. Not counted in ClinVar's aggregate classification.
Comment: Likely benign based on allele frequency in 1000 Genomes Project or ESP global frequency and its presence in a patient with a rare or unrelated disease phenotype. NOT Sanger confirmed.